The following is an entry in ClinVar:

ClinVar aggregate classification (germline): Likely benign (1 of 4 stars; one submission).

Allele frequency attached by ClinVar (database versions not stated): 1000 Genomes Project 0.00399.

Submission:

CeGaT Center for Human Genetics Tuebingen
Classification: Likely benign. Last evaluated: 2025-10-01. Review status: criteria provided, single submitter. Criteria: CeGaT Center For Human Genetics Tuebingen Variant Classification Criteria Version 2. Collection method: clinical testing. Allele origin: germline. Affected: yes. Observed: 2 variant alleles.
Comment: MUC22: PM2:Supporting, BP4, BP7

NM_001395414.1(MUC22):c.1890T>C (p.Thr630=)

Gene: MUC22 (mucin 22; plus strand). Cytogenetic location: 6p21.33.
Variant type: single nucleotide variant.
Coding change: c.1890T>C on transcript NM_001395414.1 (MANE Select); coding-DNA position 1890, T replaced by C.
Protein change: p.Thr630=; no amino-acid change (threonine 630 retained).
Molecular consequence: synonymous variant.
Genome position (GRCh38, 1-based): chr6:31,027,321, T>C. VCF-style: chr6-31027321-T-C. GRCh37 (hg19) VCF-style: chr6-30995098-T-C.
Other names: c.1890T>C, p.Thr630= (NM_001198815.1); c.1899T>C, p.Thr633= (NM_001318484.1, NM_001322469.1).
Identifiers: ClinVar variation 2673047 (VCV002673047.23), dbSNP rs567826735, ClinGen allele CA136770824.
Genomic context (GRCh38, chr6:31,027,321, plus strand): 5'-CATGGGCTCTGAGACCAGCACAGATTCTACCACAGGCTCTGAGACCACCACAGCCTCTAC[T>C]GAAGGCTCTGAGACCACCACAGCTTCCACTGAAGGCTCTGAGGCCACTACAGTCTCCACC-3'
Protein context (NP_001382343.1, residues 620-640): TTGSETTTAS[Thr630=]EGSETTTAST